The following is an entry in ClinVar:

NM_153638.4(PANK2):c.239C>T (p.Pro80Leu)

Genes: PANK2 (pantothenate kinase 2; plus strand), LOC130065345 (ATAC-STARR-seq lymphoblastoid silent region 12635; plus strand). Cytogenetic location: 20p13.
Variant type: single nucleotide variant.
Coding change: c.239C>T on transcript NM_153638.4; coding-DNA position 239, C replaced by T.
Protein change: p.Pro80Leu; replaces proline 80 with leucine.
Molecular consequence: missense variant. On other transcripts: intron variant (1).
Genome position (GRCh38, 1-based): chr20:3,889,339, C>T. VCF-style: chr20-3889339-C-T. GRCh37 (hg19) VCF-style: chr20-3869986-C-T.
Other names: c.239C>T, p.Pro80Leu (NM_001324192.1); c.-246+435C>T (NM_024960.6); short protein forms P80L.
Identifiers: ClinVar variation 1402990 (VCV001402990.4), dbSNP rs752820848, ClinGen allele CA9750513.

ClinVar aggregate classification (germline): Uncertain significance (1 of 4 stars; one submission).

Conditions:
Pigmentary pallidal degeneration (NBIA1). Also called: Neurodegeneration with brain iron accumulation 1; PKAN NEUROAXONAL DYSTROPHY, JUVENILE-ONSET; HARP SYNDROME; Pantothenate Kinase-Associated Neurodegeneration; Neuroaxonal dystrophy, late infantile; Hallervorden-Spatz disease. Identifiers: Orphanet 157850, MedGen C0018523, MONDO:0009319, OMIM 234200.

Allele frequency attached by ClinVar (database versions not stated): ExAC 0.00002; TOPMed below 0.00001; gnomAD exomes 0.00001.

Submission:

Labcorp Genetics (formerly Invitae), Labcorp
Classification: Uncertain significance for Pigmentary pallidal degeneration. Last evaluated: 2021-09-15. Review status: criteria provided, single submitter. Criteria: Invitae Variant Classification Sherloc (09022015). Collection method: clinical testing. Allele origin: germline.
Comment: This sequence change replaces proline with leucine at codon 80 of the PANK2 protein (p.Pro80Leu). The proline residue is weakly conserved and there is a moderate physicochemical difference between proline and leucine. This variant is present in population databases (rs752820848, ExAC 0.004%). This variant has not been reported in the literature in individuals affected with PANK2-related conditions. Algorithms developed to predict the effect of missense changes on protein structure and function (SIFT, PolyPhen-2, Align-GVGD) all suggest that this variant is likely to be tolerated. In summary, the available evidence is currently insufficient to determine the role of this variant in disease. Therefore, it has been classified as a Variant of Uncertain Significance.